The following is an entry in ClinVar:

ClinVar aggregate classification (germline): Uncertain significance (1 of 4 stars; one submission).

Submission:

GeneDx
Classification: Uncertain significance. Last evaluated: 2021-01-18. Review status: criteria provided, single submitter. Criteria: GeneDx Variant Classification Process June 2021. Collection method: clinical testing. Allele origin: germline. Affected: yes.
Comment: Not observed in large population cohorts (Lek et al., 2016); In silico analysis, which includes protein predictors and evolutionary conservation, supports that this variant does not alter protein structure/function; Has not been previously published as pathogenic or benign to our knowledge

NM_006565.4(CTCF):c.516T>G (p.Asn172Lys)

Gene: CTCF (CCCTC-binding factor; plus strand). Cytogenetic location: 16q22.1.
Variant type: single nucleotide variant.
Coding change: c.516T>G on transcript NM_006565.4 (MANE Select); coding-DNA position 516, T replaced by G.
Protein change: p.Asn172Lys; replaces asparagine 172 with lysine.
Molecular consequence: missense variant. On other transcripts: intron variant (1).
Genome position (GRCh38, 1-based): chr16:67,611,348, T>G. VCF-style: chr16-67611348-T-G. GRCh37 (hg19) VCF-style: chr16-67645251-T-G.
Other names: c.516T>G, p.Asn172Lys (NM_001363916.2); c.-32-5397T>G (NM_001191022.2); short protein forms N172K.
Identifiers: ClinVar variation 1310475 (VCV001310475.2), dbSNP rs2142825832, ClinGen allele CA396306024.